The following is an entry in ClinVar:

NM_000179.3(MSH6):c.2722G>A (p.Glu908Lys)

Gene: MSH6 (mutS homolog 6; plus strand). Cytogenetic location: 2p16.3.
Variant type: single nucleotide variant.
Coding change: c.2722G>A on transcript NM_000179.3 (MANE Select); coding-DNA position 2722, G replaced by A.
Protein change: p.Glu908Lys; replaces glutamic acid 908 with lysine.
Molecular consequence: missense variant.
Genome position (GRCh38, 1-based): chr2:47,800,705, G>A. VCF-style: chr2-47800705-G-A. GRCh37 (hg19) VCF-style: chr2-48027844-G-A.
Other names: c.2332G>A, p.Glu778Lys (NM_001281492.2); c.1816G>A, p.Glu606Lys (NM_001281493.2, NM_001281494.2); short protein forms E908K, E606K, E778K.
Identifiers: ClinVar variation 336444 (VCV000336444.15), dbSNP rs886056144, ClinGen allele CA10615763.

ClinVar aggregate classification (germline): Uncertain significance. Review status: criteria provided, multiple submitters, no conflicts (2 of 4 stars). 4 submissions from 4 submitters: Uncertain significance (4). Last evaluated 2025-04-20.

Conditions:
Hereditary cancer-predisposing syndrome. Also called: Hereditary Cancer Syndrome; Neoplastic Syndromes, Hereditary; Tumor predisposition; Hereditary neoplastic syndrome. Identifiers: Orphanet 140162, MedGen C0027672, MeSH D009386, MONDO:0015356.
Lynch syndrome 5 (LYNCH5). Also called: Colorectal cancer, hereditary nonpolyposis, type 5; Hereditary non-polyposis colorectal cancer, type 5. Identifiers: Orphanet 144, MedGen C1833477, MONDO:0013710, OMIM 614350. Disease mechanism: loss of function.
Hereditary nonpolyposis colorectal neoplasms. Identifiers: MedGen C0009405, MeSH D003123.

gnomAD v4.1: 3 of 1,614,144 alleles (0.00019%); highest among the groups gnomAD compares: Non-Finnish European, 0.00025%; no homozygotes.

Submissions (4):

Color Diagnostics, LLC DBA Color Health
Classification: Uncertain significance for Hereditary cancer-predisposing syndrome. Last evaluated: 2025-04-20. Review status: criteria provided, single submitter. Criteria: ACMG Guidelines, 2015. Collection method: clinical testing. Allele origin: germline.
Comment: This missense variant replaces glutamic acid with lysine at codon 908 of the MSH6 protein. Computational prediction is inconclusive regarding the impact of this variant on protein structure and function. To our knowledge, functional studies have not been reported for this variant. This variant has not been reported in individuals affected with MSH6-related disorders in the literature. This variant has not been identified in the general population by the Genome Aggregation Database (gnomAD). The available evidence is insufficient to determine the role of this variant in disease conclusively. Therefore, this variant is classified as a Variant of Uncertain Significance.

Labcorp Genetics (formerly Invitae), Labcorp
Classification: Uncertain significance for Hereditary nonpolyposis colorectal neoplasms. Last evaluated: 2024-05-10. Review status: criteria provided, single submitter. Criteria: Invitae Variant Classification Sherloc (09022015). Collection method: clinical testing. Allele origin: germline.
Comment: This sequence change replaces glutamic acid, which is acidic and polar, with lysine, which is basic and polar, at codon 908 of the MSH6 protein (p.Glu908Lys). This variant is not present in population databases (gnomAD no frequency). This variant has not been reported in the literature in individuals affected with MSH6-related conditions. ClinVar contains an entry for this variant (Variation ID: 336444). Advanced modeling of protein sequence and biophysical properties (such as structural, functional, and spatial information, amino acid conservation, physicochemical variation, residue mobility, and thermodynamic stability) performed at Invitae indicates that this missense variant is not expected to disrupt MSH6 protein function with a negative predictive value of 95%. In summary, the available evidence is currently insufficient to determine the role of this variant in disease. Therefore, it has been classified as a Variant of Uncertain Significance.

Ambry Genetics
Classification: Uncertain significance for Hereditary cancer-predisposing syndrome. Last evaluated: 2023-04-21. Review status: criteria provided, single submitter. Criteria: Ambry Variant Classification Scheme 2023. Collection method: clinical testing. Allele origin: germline.
Comment: The p.E908K variant (also known as c.2722G>A), located in coding exon 4 of the MSH6 gene, results from a G to A substitution at nucleotide position 2722. The glutamic acid at codon 908 is replaced by lysine, an amino acid with similar properties. This amino acid position is highly conserved in available vertebrate species. In addition, this alteration is predicted to be deleterious by in silico analysis. Since supporting evidence is limited at this time, the clinical significance of this alteration remains unclear.

Illumina Laboratory Services, Illumina
Classification: Uncertain significance for Lynch syndrome 5. Last evaluated: 2018-01-13. Review status: criteria provided, single submitter. Criteria: ICSL Variant Classification Criteria 13 December 2019. Collection method: clinical testing. Allele origin: germline.